The following is an entry in ClinVar:

ClinVar aggregate classification (germline): Pathogenic/Likely pathogenic. Review status: criteria provided, multiple submitters, no conflicts (2 of 4 stars). 2 submissions from 2 submitters: Pathogenic (1); Likely pathogenic (1). Last evaluated 2025-02-06.

Conditions:
Retinitis pigmentosa 71 (RP71). Identifiers: Orphanet 791, MedGen C4225342, MONDO:0014618, OMIM 616394.
Short-rib thoracic dysplasia 10 with or without polydactyly (SRTD10). Identifiers: Orphanet 474, MedGen C3810175, MONDO:0014284, OMIM 615630.
IFT172-related disorder. Also called: IFT172-related disorders; IFT172-related condition.

Allele frequency attached by ClinVar (database versions not stated): TOPMed below 0.00001; gnomAD 0.00001.
gnomAD v4.1: 2 of 1,613,646 alleles (0.00012%); highest among the groups gnomAD compares: Non-Finnish European, 0.00017%; no homozygotes.

Submissions (2):

PreventionGenetics, part of Exact Sciences
Classification: Likely pathogenic for IFT172-related condition. Last evaluated: 2025-02-06. Review status: criteria provided, single submitter. Criteria: ACMG Guidelines, 2015. Collection method: clinical testing. Allele origin: germline.
Comment: The IFT172 c.4508G>A variant is predicted to result in premature protein termination (p.Trp1503*). To our knowledge, this variant has not been reported in the literature or in a large population database (gnomAD), indicating this variant is rare. Nonsense variants in IFT172 are expected to be pathogenic. This variant is interpreted as likely pathogenic.

Labcorp Genetics (formerly Invitae), Labcorp
Classification: Pathogenic for Retinitis pigmentosa 71; Short-rib thoracic dysplasia 10 with or without polydactyly. Last evaluated: 2020-11-21. Review status: criteria provided, single submitter. Criteria: Invitae Variant Classification Sherloc (09022015). Collection method: clinical testing. Allele origin: germline.
Comment: This variant has not been reported in the literature in individuals with IFT172-related conditions. For these reasons, this variant has been classified as Pathogenic. This variant is not present in population databases (ExAC no frequency). This sequence change creates a premature translational stop signal (p.Trp1503*) in the IFT172 gene. It is expected to result in an absent or disrupted protein product. Loss-of-function variants in IFT172 are known to be pathogenic (PMID: 24140113).

Literature cited by the submitters: PubMed 24140113 (cited by Labcorp Genetics (formerly Invitae), Labcorp).

NM_015662.3(IFT172):c.4508G>A (p.Trp1503Ter)

Gene: IFT172 (intraflagellar transport 172; minus strand). Cytogenetic location: 2p23.3.
Variant type: single nucleotide variant.
Coding change: c.4508G>A on transcript NM_015662.3 (MANE Select); coding-DNA position 4508, G replaced by A.
Protein change: p.Trp1503Ter; replaces tryptophan 1503 with a stop codon.
Molecular consequence: nonsense.
Genome position (GRCh38, 1-based): chr2:27,447,843, C>T on the plus strand (G>A on the coding strand, the complement: IFT172 is on the minus strand). VCF-style: chr2-27447843-C-T. GRCh37 (hg19) VCF-style: chr2-27670710-C-T.
Other names: c.4508G>A (NM_015662.2); short protein forms W1503*.
Identifiers: ClinVar variation 1069553 (VCV001069553.8), dbSNP rs1665288663, ClinGen allele CA346417265.